The following is an entry in ClinVar:

NM_000322.5(PRPH2):c.700del (p.Tyr234fs)

Gene: PRPH2 (peripherin 2; minus strand). Cytogenetic location: 6p21.1.
Variant type: Deletion.
Coding change: c.700del on transcript NM_000322.5 (MANE Select); coding-DNA position 700, one base deleted (T; older notation c.700delT).
Protein change: p.Tyr234fs; shifts the reading frame from tyrosine 234.
Molecular consequence: frameshift variant.
Genome position (GRCh38, 1-based): chr6:42,704,493, A deleted on the plus strand (T on the coding strand, the reverse complement: PRPH2 is on the minus strand). VCF-style (leftmost placement, unchanged base first): chr6-42704492-TA-T. GRCh37 (hg19) VCF-style: chr6-42672230-TA-T.
Other names: short protein forms Y234fs.
Identifiers: ClinVar variation 937466 (VCV000937466.7), dbSNP rs1800113276, ClinGen allele CA1139659517.

ClinVar aggregate classification (germline): Pathogenic (1 of 4 stars; one submission).

Conditions:
PRPH2-related disorder. Also called: PRPH2-related condition; PRPH2-related disorders. Identifiers: MedGen CN239395.

Submission:

Labcorp Genetics (formerly Invitae), Labcorp
Classification: Pathogenic for PRPH2-related disorder. Last evaluated: 2024-12-01. Review status: criteria provided, single submitter. Criteria: Invitae Variant Classification Sherloc (09022015). Collection method: clinical testing. Allele origin: germline.
Comment: This sequence change creates a premature translational stop signal (p.Tyr234Thrfs*22) in the PRPH2 gene. It is expected to result in an absent or disrupted protein product. Loss-of-function variants in PRPH2 are known to be pathogenic (PMID: 8111389, 8485575, 8485576, 8675410, 16916875, 17504850, 22863181, 25675413, 26061163, 27365499, 29555955, 33546218). This variant is not present in population databases (gnomAD no frequency). This variant has not been reported in the literature in individuals affected with PRPH2-related conditions. ClinVar contains an entry for this variant (Variation ID: 937466). For these reasons, this variant has been classified as Pathogenic.

Literature cited by the submitters: PubMed 8111389; PubMed 8485575; PubMed 8485576; PubMed 8675410; PubMed 16916875; PubMed 17504850; PubMed 22863181; PubMed 25675413; PubMed 26061163; PubMed 27365499; PubMed 29555955; PubMed 33546218.